The following is an entry in ClinVar:

ClinVar aggregate classification (germline): Uncertain significance (1 of 4 stars; one submission).

Conditions:
SEMA3G-related disorder. Also called: SEMA3G-related condition.

gnomAD v4.1: 9 of 1,614,096 alleles (0.00056%); highest among the groups gnomAD compares: Admixed American, 0.0017%; no homozygotes.

Submission:

PreventionGenetics, part of Exact Sciences
Classification: Uncertain significance for SEMA3G-related condition. Last evaluated: 2025-02-07. Review status: criteria provided, single submitter. Criteria: ACMG Guidelines, 2015. Collection method: clinical testing. Allele origin: germline.
Comment: The SEMA3G c.2073G>C variant is predicted to result in the amino acid substitution p.Glu691Asp. To our knowledge, this variant has not been reported in the literature. This variant is reported in 0.00088% of alleles in individuals of European (Non-Finnish) descent in gnomAD. At this time, the clinical significance of this variant is uncertain due to the absence of conclusive functional and genetic evidence.

NM_020163.3(SEMA3G):c.2073G>C (p.Glu691Asp)

Gene: SEMA3G (semaphorin 3G; minus strand). Cytogenetic location: 3p21.1.
Variant type: single nucleotide variant.
Coding change: c.2073G>C on transcript NM_020163.3 (MANE Select); coding-DNA position 2073, G replaced by C.
Protein change: p.Glu691Asp; replaces glutamic acid 691 with aspartic acid.
Molecular consequence: missense variant.
Genome position (GRCh38, 1-based): chr3:52,435,879, C>G on the plus strand (G>C on the coding strand, the complement: SEMA3G is on the minus strand). VCF-style: chr3-52435879-C-G. GRCh37 (hg19) VCF-style: chr3-52469895-C-G.
Other names: short protein forms E691D.
Identifiers: ClinVar variation 4980119 (VCV004980119.1).